The following is an entry in ClinVar:

ClinVar aggregate classification (germline): Conflicting classifications of pathogenicity. Review status: criteria provided, conflicting classifications (1 of 4 stars). 2 submissions from 2 submitters: Uncertain significance (1); Likely benign (1). Last evaluated 2024-01-02.

Conditions:
Inborn genetic diseases. Identifiers: MedGen C0950123, MeSH D030342.

Allele frequency attached by ClinVar (database versions not stated): gnomAD 0.00001 and 0.00002; gnomAD exomes 0.00002 and 0.00009; TOPMed 0.00003; ExAC 0.00007; 1000 Genomes Project 30x 0.00016; 1000 Genomes Project 0.00020.
gnomAD v4.1: 29 of 1,614,200 alleles (0.0018%); highest among the groups gnomAD compares: East Asian, 0.029%; no homozygotes.

Submissions (2):

Labcorp Genetics (formerly Invitae), Labcorp
Classification: Uncertain significance. Last evaluated: 2024-01-02. Review status: criteria provided, single submitter. Criteria: Invitae Variant Classification Sherloc (09022015). Collection method: clinical testing. Allele origin: germline.
Comment: This sequence change replaces asparagine, which is neutral and polar, with serine, which is neutral and polar, at codon 665 of the SH3PXD2B protein (p.Asn665Ser). This variant is present in population databases (rs144252446, gnomAD 0.09%). This variant has not been reported in the literature in individuals affected with SH3PXD2B-related conditions. ClinVar contains an entry for this variant (Variation ID: 1402761). Algorithms developed to predict the effect of missense changes on protein structure and function output the following: SIFT: "Not Available"; PolyPhen-2: "Benign"; Align-GVGD: "Not Available". The serine amino acid residue is found in multiple mammalian species, which suggests that this missense change does not adversely affect protein function. In summary, the available evidence is currently insufficient to determine the role of this variant in disease. Therefore, it has been classified as a Variant of Uncertain Significance.

Ambry Genetics
Classification: Likely benign for Inborn genetic diseases. Last evaluated: 2023-12-12. Review status: criteria provided, single submitter. Criteria: Ambry Variant Classification Scheme 2023. Collection method: clinical testing. Allele origin: germline.

NM_001017995.3(SH3PXD2B):c.1994A>G (p.Asn665Ser)

Gene: SH3PXD2B (SH3 and PX domains 2B; minus strand). Cytogenetic location: 5q35.1.
Variant type: single nucleotide variant.
Coding change: c.1994A>G on transcript NM_001017995.3 (MANE Select); coding-DNA position 1994, A replaced by G.
Protein change: p.Asn665Ser; replaces asparagine 665 with serine.
Molecular consequence: missense variant. On other transcripts: intron variant (1).
Genome position (GRCh38, 1-based): chr5:172,339,111, T>C on the plus strand (A>G on the coding strand, the complement: SH3PXD2B is on the minus strand). VCF-style: chr5-172339111-T-C. GRCh37 (hg19) VCF-style: chr5-171766115-T-C.
Other names: c.1188+7025A>G (NM_001308175.2); c.1994A>G (NM_001017995.2); short protein forms N665S.
Identifiers: ClinVar variation 1402761 (VCV001402761.8), dbSNP rs144252446, ClinGen allele CA3561060.